The following is an entry in ClinVar:

NM_001379500.1(COL18A1):c.1998C>T (p.Gly666=)

Gene: COL18A1 (collagen type XVIII alpha 1 chain; plus strand). Cytogenetic location: 21q22.3.
Variant type: single nucleotide variant.
Coding change: c.1998C>T on transcript NM_001379500.1 (MANE Select); coding-DNA position 1998, C replaced by T.
Protein change: p.Gly666=; no amino-acid change (glycine 666 retained).
Molecular consequence: synonymous variant.
Genome position (GRCh38, 1-based): chr21:45,490,313, C>T. VCF-style: chr21-45490313-C-T. GRCh37 (hg19) VCF-style: chr21-46910227-C-T.
Other names: NM_130445.2:c.1998C>T; c.2538C>T, p.Gly846= (NM_030582.4); c.3243C>T, p.Gly1081= (NM_130444.3).
Identifiers: ClinVar variation 447117 (VCV000447117.19), dbSNP rs62000963, ClinGen allele CA10066738.

ClinVar aggregate classification (germline): Benign/Likely benign. Review status: criteria provided, multiple submitters, no conflicts (2 of 4 stars). 4 submissions from 4 submitters: Benign (2); Likely benign (2). Last evaluated 2026-07-01.

Allele frequency attached by ClinVar (database versions not stated): 1000 Genomes Project 0.00280; ESP Exome Variant Server 0.00295; 1000 Genomes Project 30x 0.00328; gnomAD 0.00366; TOPMed 0.00375.
gnomAD v4.1: 1,026 of 1,588,902 alleles (0.065%); highest among the groups gnomAD compares: African/African-American, 1.2%; 9 homozygotes.

Submissions (4):

CeGaT Center for Human Genetics Tuebingen
Classification: Likely benign. Last evaluated: 2026-07-01. Review status: criteria provided, single submitter. Criteria: CeGaT Center For Human Genetics Tuebingen Variant Classification Criteria Version 2. Collection method: clinical testing. Allele origin: germline. Affected: yes. Observed: 2 variant alleles.
Comment: COL18A1: BP4, BP7, BS1

Labcorp Genetics (formerly Invitae), Labcorp
Classification: Benign. Last evaluated: 2026-02-02. Review status: criteria provided, single submitter. Criteria: Invitae Variant Classification Sherloc (09022015). Collection method: clinical testing. Allele origin: germline.

Blueprint Genetics
Classification: Likely benign. Last evaluated: 2024-11-05. Review status: criteria provided, single submitter. Criteria: ACMG Guidelines, 2015. Collection method: clinical testing. Allele origin: germline.

Athena Diagnostics
Classification: Benign. Last evaluated: 2017-02-10. Review status: criteria provided, single submitter. Criteria: Athena Diagnostics Criteria. Collection method: clinical testing. Allele origin: germline.